The following is an entry in ClinVar:

ClinVar aggregate classification (germline): Uncertain significance (1 of 4 stars; one submission).

Submission:

Labcorp Genetics (formerly Invitae), Labcorp
Classification: Uncertain significance. Last evaluated: 2026-02-03. Review status: criteria provided, single submitter. Criteria: Invitae Variant Classification Sherloc (09022015). Collection method: clinical testing. Allele origin: germline.
Comment: This sequence change replaces alanine, which is neutral and non-polar, with serine, which is neutral and polar, at codon 99 of the MESP1 protein (p.Ala99Ser). This variant is not present in population databases (gnomAD no frequency). This variant has not been reported in the literature in individuals affected with MESP1-related conditions. An algorithm developed to predict the effect of missense changes on protein structure and function outputs the following: PolyPhen-2: "Probably Damaging". The serine amino acid residue is found in multiple mammalian species, which suggests that this missense change does not adversely affect protein function. In summary, the available evidence is currently insufficient to determine the role of this variant in disease. Therefore, it has been classified as a Variant of Uncertain Significance.

NM_018670.4(MESP1):c.295G>T (p.Ala99Ser)

Genes: MESP1 (mesoderm posterior bHLH transcription factor 1; minus strand), LOC130057889 (ATAC-STARR-seq lymphoblastoid silent region 6804; plus strand). Cytogenetic location: 15q26.1.
Variant type: single nucleotide variant.
Coding change: c.295G>T on transcript NM_018670.4 (MANE Select); coding-DNA position 295, G replaced by T.
Protein change: p.Ala99Ser; replaces alanine 99 with serine.
Molecular consequence: missense variant.
Genome position (GRCh38, 1-based): chr15:89,750,937, C>A on the plus strand (G>T on the coding strand, the complement: MESP1 is on the minus strand). VCF-style: chr15-89750937-C-A. GRCh37 (hg19) VCF-style: chr15-90294168-C-A.
Other names: short protein forms A99S.
Identifiers: ClinVar variation 4708809 (VCV004708809.1).